The following is an entry in ClinVar:

NM_017739.4(POMGNT1):c.1445_1447delinsA (p.Pro482fs)

Genes: POMGNT1 (protein O-linked mannose N-acetylglucosaminyltransferase 1 (beta 1,2-); minus strand), TSPAN1 (tetraspanin 1; plus strand). Cytogenetic location: 1p34.1.
Variant type: Indel.
Coding change: c.1445_1447delinsA on transcript NM_017739.4 (MANE Select); coding-DNA positions 1445 to 1447, CTG replaced by A.
Protein change: p.Pro482fs; shifts the reading frame from proline 482.
Molecular consequence: frameshift variant.
Genome position (GRCh38, 1-based): chr1:46,192,190-46,192,192, CAG replaced by T on the plus strand (CTG replaced by A on the coding strand, the reverse complement: POMGNT1 is on the minus strand). VCF-style: chr1-46192190-CAG-T. GRCh37 (hg19) VCF-style: chr1-46657862-CAG-T.
Other names: c.1445_1447delinsA, p.Pro482fs (NM_001243766.2, NM_001410783.1); c.1379_1381delCTGinsA, p.Pro460Glnfs (NM_001290129.3); c.1016_1018delinsA, p.Pro339fs (NM_001290130.2); short protein forms P339fs, P460fs, P482fs.
Identifiers: ClinVar variation 1724880 (VCV001724880.2), dbSNP rs2525383254, ClinGen allele CA2580062930.

ClinVar aggregate classification (germline): Likely pathogenic (1 of 4 stars; one submission).

Conditions:
Muscular dystrophy-dystroglycanopathy (congenital with brain and eye anomalies), type A3. Also called: Muscular dystrophy-dystroglycanopathy (congenital with brain and eye anomalies), type A, 3; Congenital muscular dystrophy-dystroglycanopathy with brain and eye anomalies, type A3; WALKER-WARBURG SYNDROME OR MUSCLE-EYE-BRAIN DISEASE, POMGNT1-RELATED. Identifiers: MedGen C3151519, MONDO:0009667, OMIM 253280.

Submission:

Myriad Genetics, Inc.
Classification: Likely pathogenic for Muscular dystrophy-dystroglycanopathy (congenital with brain and eye anomalies), type A3. Last evaluated: 2022-03-02. Review status: criteria provided, single submitter. Criteria: Myriad Women's Health Autosomal Recessive and X-Linked Classification Criteria (2021). Collection method: clinical testing. Allele origin: unknown.
Comment: NM_017739.3(POMGNT1):c.1445_1447delCTGinsA(P482Qfs*12) is expected to be pathogenic in the context of POMGNT-related disorders. This variant is predicted to lead to an abnormal or absent protein product due to the creation of a premature termination codon in POMGNT1, a gene where loss-of-function variants are known to be pathogenic. Please note: this variant was assessed in the context of healthy population screening.